The following is an entry in ClinVar:

NM_000465.4(BARD1):c.590del (p.Lys197fs)

Gene: BARD1 (BRCA1 associated RING domain 1; minus strand). Cytogenetic location: 2q35.
Variant type: Deletion.
Coding change: c.590del on transcript NM_000465.4 (MANE Select); coding-DNA position 590, one base deleted (A; older notation c.590delA).
Protein change: p.Lys197fs; shifts the reading frame from lysine 197.
Molecular consequence: frameshift variant. On other transcripts: non-coding transcript variant (2), intron variant (3).
Genome position (GRCh38, 1-based): chr2:214,781,284, T deleted on the plus strand (A on the coding strand, the reverse complement: BARD1 is on the minus strand); the first of 5 consecutive T bases (chr2:214,781,284-214,781,288); deleting any one gives the same sequence. VCF-style (leftmost placement, unchanged base first): chr2-214781283-CT-C. GRCh37 (hg19) VCF-style: chr2-215646007-CT-C.
Other names: c.533del, p.Lys178fs (NM_001282543.2); c.158+28128del (NM_001282548.2); c.215+15777del (NM_001282545.2); c.364+11013del (NM_001282549.2); short protein forms K178fs, K197fs.
Identifiers: ClinVar variation 2030231 (VCV002030231.4), dbSNP rs1695014214, ClinGen allele CA1327071419.

ClinVar aggregate classification (germline): Pathogenic (1 of 4 stars; one submission).

Conditions:
Familial cancer of breast. Also called: hereditary breast carcinoma; BREAST CANCER, FAMILIAL; Hereditary breast cancer. Identifiers: Orphanet 227535, MedGen C0346153, MONDO:0016419, OMIM 114480. Disease mechanism: loss of function.

Submission:

Labcorp Genetics (formerly Invitae), Labcorp
Classification: Pathogenic for Familial cancer of breast. Last evaluated: 2022-09-13. Review status: criteria provided, single submitter. Criteria: Invitae Variant Classification Sherloc (09022015). Collection method: clinical testing. Allele origin: germline.
Comment: This variant has not been reported in the literature in individuals affected with BARD1-related conditions. This sequence change creates a premature translational stop signal (p.Lys197Argfs*15) in the BARD1 gene. It is expected to result in an absent or disrupted protein product. Loss-of-function variants in BARD1 are known to be pathogenic (PMID: 20077502, 21344236). This variant is not present in population databases (gnomAD no frequency). For these reasons, this variant has been classified as Pathogenic.

Literature cited by the submitters: PubMed 20077502; PubMed 21344236.